The following is an entry in ClinVar:

NM_000277.3(PAH):c.734T>A (p.Val245Glu)

Gene: PAH (phenylalanine hydroxylase; minus strand). Cytogenetic location: 12q23.2.
Variant type: single nucleotide variant.
Coding change: c.734T>A on transcript NM_000277.3 (MANE Select); coding-DNA position 734, T replaced by A.
Protein change: p.Val245Glu; replaces valine 245 with glutamic acid.
Molecular consequence: missense variant.
Genome position (GRCh38, 1-based): chr12:102,852,923, A>T on the plus strand (T>A on the coding strand, the complement: PAH is on the minus strand). VCF-style: chr12-102852923-A-T. GRCh37 (hg19) VCF-style: chr12-103246701-A-T.
Other names: c.734T>A, p.Val245Glu (NM_001354304.2); c.734T>A (NM_000277.2); short protein forms V245E.
Identifiers: ClinVar variation 102811 (VCV000102811.9), dbSNP rs76212747, ClinGen allele CA229725.
Genomic context (GRCh38, chr12:102,852,923, plus strand): 5'-CAGTGGAAGACTCGGAAGGCCAGGCCACCCAAGAAATCCCGAGAGGAAAGCAGGCCAGCC[A>T]CAGGTCGGAGGCGGAAACCAGTGCAAGCTGGGATGAAAAGAAGAAAGAAAACTCAAAGCT-3'
Protein context (NP_000268.1, residues 235-255): QTCTGFRLRP[Val245Glu]AGLLSSRDFL

ClinVar aggregate classification (germline): Pathogenic. Review status: criteria provided, multiple submitters, no conflicts (2 of 4 stars). 3 submissions from 3 submitters: Pathogenic (2). 1 of the submissions does not count toward it. Last evaluated 2024-12-10.

Conditions:
Phenylketonuria (PKU). Also called: Phenylketonuria (PKU); FOLLING DISEASE; OLIGOPHRENIA PHENYLPYRUVICA; Phenylketonurias. Identifiers: Orphanet 716, MedGen C0031485, MONDO:0009861, OMIM 261600. Disease mechanism: loss of function.

gnomAD v4.1: 11 of 1,614,142 alleles (0.00068%); highest among the groups gnomAD compares: Non-Finnish European, 0.00093%; no homozygotes.

Submissions (3):

Labcorp Genetics (formerly Invitae), Labcorp
Classification: Pathogenic for Phenylketonuria. Last evaluated: 2024-12-10. Review status: criteria provided, single submitter. Criteria: Invitae Variant Classification Sherloc (09022015). Collection method: clinical testing. Allele origin: germline.
Comment: This sequence change replaces valine, which is neutral and non-polar, with glutamic acid, which is acidic and polar, at codon 245 of the PAH protein (p.Val245Glu). This variant is present in population databases (rs76212747, gnomAD 0.005%). This missense change has been observed in individual(s) with phenylketonuria (PMID: 15159646). In at least one individual the data is consistent with being in trans (on the opposite chromosome) from a pathogenic variant. ClinVar contains an entry for this variant (Variation ID: 102811). Invitae Evidence Modeling of protein sequence and biophysical properties (such as structural, functional, and spatial information, amino acid conservation, physicochemical variation, residue mobility, and thermodynamic stability) indicates that this missense variant is expected to disrupt PAH protein function with a positive predictive value of 80%. Experimental studies have shown that this missense change affects PAH function (PMID: 11161839). This variant disrupts the p.Val245 amino acid residue in PAH. Other variant(s) that disrupt this residue have been determined to be pathogenic (PMID: 8088845, 24296287, 25596310, 26803807). This suggests that this residue is clinically significant, and that variants that disrupt this residue are likely to be disease-causing. For these reasons, this variant has been classified as Pathogenic.

Natera, Inc.
Classification: Pathogenic for Phenylketonuria. Last evaluated: 2024-04-26. Review status: criteria provided, single submitter. Criteria: Natera Variant Classification Schema (03/2026). Collection method: clinical testing. Allele origin: germline.
Comment: The c.734T>A variant in PAH is a missense variant predicted to cause substitution of valine to glutamic acid at amino acid 245. This variant is rare in the general population with a frequency below the threshold expected for the associated phenotype(s). This variant has been observed in one or more individuals affected with the associated recessive disease, as either homozygous or compound heterozygous with a second variant (PMID: 26542770, 32668217). A different variant at the same position has been determined to be Pathogenic or Likely Pathogenic. Computational prediction algorithms indicate this variant is likely to affect gene or protein function. Given the available evidence, this variant is classified as Pathogenic.

DeBelle Laboratory for Biochemical Genetics, MUHC/MCH RESEARCH INSTITUTE
No classification provided. Review status: no classification provided. Collection method: not provided. Allele origin: not provided. Not counted in ClinVar's aggregate classification.

Literature cited by the submitters: PubMed 15159646 (cited by Labcorp Genetics (formerly Invitae), Labcorp); PubMed 11161839 (cited by Labcorp Genetics (formerly Invitae), Labcorp); PubMed 8088845 (cited by Labcorp Genetics (formerly Invitae), Labcorp); PubMed 24296287 (cited by Labcorp Genetics (formerly Invitae), Labcorp); PubMed 25596310 (cited by Labcorp Genetics (formerly Invitae), Labcorp); PubMed 26803807 (cited by Labcorp Genetics (formerly Invitae), Labcorp); PubMed 26542770 (cited by Natera, Inc.); PubMed 32668217 (cited by Natera, Inc.).